The following is an entry in ClinVar:

ClinVar aggregate classification (germline): Uncertain significance (0 of 4 stars; one submission).

Submission:

Institute of Human Genetics, Cologne University
Classification: Uncertain significance. Review status: no assertion criteria provided. Collection method: clinical testing. Allele origin: de novo. Observed: 1 variant allele.
Comment: “candidate gene”: the data situation is still too limited and the clinical significance of the variant is completely unclear. ACMG criteria can not be applied since there is no convincing disease association at the moment. But this variant was found de novo, is not present in gnomAD, is predicted to be pathogenic (REVEL score 0,821), and has been associated with developmental abnormalities in three publications ((Pubmed-IDs: 33057194, 35982159, 35982160).

NM_017552.4(ATAD2B):c.4211T>G (p.Leu1404Trp)

Gene: ATAD2B (ATPase family AAA domain containing 2B; minus strand). Cytogenetic location: 2p24.1.
Variant type: single nucleotide variant.
Coding change: c.4211T>G on transcript NM_017552.4 (MANE Select); coding-DNA position 4211, T replaced by G.
Protein change: p.Leu1404Trp; replaces leucine 1404 with tryptophan.
Molecular consequence: missense variant. On other transcripts: non-coding transcript variant (1).
Genome position (GRCh38, 1-based): chr2:23,754,303, A>C on the plus strand (T>G on the coding strand, the complement: ATAD2B is on the minus strand). VCF-style: chr2-23754303-A-C. GRCh37 (hg19) VCF-style: chr2-23977173-A-C.
Other names: c.4196T>G, p.Leu1399Trp (NM_001242338.3); c.4238T>G, p.Leu1413Trp (NM_001354107.2); short protein forms L1399W, L1404W, L1413W.
Identifiers: ClinVar variation 3381258 (VCV003381258.1).